The following is an entry in ClinVar:

NM_005188.4(CBL):c.23G>A (p.Ser8Asn)

Genes: CBL (Cbl proto-oncogene; plus strand), LOC130006895 (ATAC-STARR-seq lymphoblastoid silent region 3975; plus strand). Cytogenetic location: 11q23.3.
Variant type: single nucleotide variant.
Coding change: c.23G>A on transcript NM_005188.4 (MANE Select); coding-DNA position 23, G replaced by A.
Protein change: p.Ser8Asn; replaces serine 8 with asparagine.
Molecular consequence: missense variant.
Genome position (GRCh38, 1-based): chr11:119,206,440, G>A. VCF-style: chr11-119206440-G-A. GRCh37 (hg19) VCF-style: chr11-119077150-G-A.
Other names: short protein forms S8N.
Identifiers: ClinVar variation 543978 (VCV000543978.11), dbSNP rs930860175, ClinGen allele CA229653547.

ClinVar aggregate classification (germline): Uncertain significance. Review status: criteria provided, multiple submitters, no conflicts (2 of 4 stars). 2 submissions from 2 submitters: Uncertain significance (2). Last evaluated 2023-06-06.

Conditions:
Cardiovascular phenotype. Identifiers: MedGen CN230736.
RASopathy. Also called: Noonan spectrum disorder; rasopathies. Identifiers: Orphanet 536391, MedGen C5555857, MONDO:0021060.

Allele frequency attached by ClinVar (database versions not stated): TOPMed 0.00001; gnomAD 0.00001.
gnomAD v4.1: 7 of 1,577,084 alleles (0.00044%); highest among the groups gnomAD compares: Admixed American, 0.009%; no homozygotes.

Submissions (2):

Labcorp Genetics (formerly Invitae), Labcorp
Classification: Uncertain significance for RASopathy. Last evaluated: 2023-06-06. Review status: criteria provided, single submitter. Criteria: Invitae Variant Classification Sherloc (09022015). Collection method: clinical testing. Allele origin: germline.
Comment: In summary, the available evidence is currently insufficient to determine the role of this variant in disease. Therefore, it has been classified as a Variant of Uncertain Significance. Advanced modeling of protein sequence and biophysical properties (such as structural, functional, and spatial information, amino acid conservation, physicochemical variation, residue mobility, and thermodynamic stability) performed at Invitae indicates that this missense variant is not expected to disrupt CBL protein function. ClinVar contains an entry for this variant (Variation ID: 543978). This variant has not been reported in the literature in individuals affected with CBL-related conditions. This variant is present in population databases (no rsID available, gnomAD 0.01%). This sequence change replaces serine, which is neutral and polar, with asparagine, which is neutral and polar, at codon 8 of the CBL protein (p.Ser8Asn).

Ambry Genetics
Classification: Uncertain significance for Cardiovascular phenotype. Last evaluated: 2022-07-08. Review status: criteria provided, single submitter. Criteria: Ambry Variant Classification Scheme 2023. Collection method: clinical testing. Allele origin: germline.
Comment: The p.S8N variant (also known as c.23G>A), located in coding exon 1 of the CBL gene, results from a G to A substitution at nucleotide position 23. The serine at codon 8 is replaced by asparagine, an amino acid with highly similar properties. This amino acid position is conserved. In addition, this alteration is predicted to be tolerated by in silico analysis. Since supporting evidence is limited at this time, the clinical significance of this alteration remains unclear.